The following is an entry in ClinVar:

NM_003906.5(MCM3AP):c.1166G>A (p.Arg389Gln)

Gene: MCM3AP (minichromosome maintenance complex component 3 associated protein; minus strand). Cytogenetic location: 21q22.3.
Variant type: single nucleotide variant.
Coding change: c.1166G>A on transcript NM_003906.5 (MANE Select); coding-DNA position 1166, G replaced by A.
Protein change: p.Arg389Gln; replaces arginine 389 with glutamine.
Molecular consequence: missense variant.
Genome position (GRCh38, 1-based): chr21:46,284,121, C>T on the plus strand (G>A on the coding strand, the complement: MCM3AP is on the minus strand). VCF-style: chr21-46284121-C-T. GRCh37 (hg19) VCF-style: chr21-47704035-C-T.
Other names: c.1166G>A (NM_003906.3); short protein forms R389Q.
Identifiers: ClinVar variation 2085660 (VCV002085660.2), dbSNP rs373161185, ClinGen allele CA10077176.
Genomic context (GRCh38, chr21:46,284,121, plus strand): 5'-AGCTCACCTTCTTTCTTCTCTCTACTTTCAGTTTCTTCCTCTTTATTCACACCTGGAATC[C>T]GGGAAGGTGCCAGGACAGACTGATTCCCTCCTGGGATAGCCATGTGGTCACTTTCTGCAG-3'
Protein context (NP_003897.2, residues 379-399): GGNQSVLAPS[Arg389Gln]IPGVNKEEET

ClinVar aggregate classification (germline): Uncertain significance. Review status: criteria provided, multiple submitters, no conflicts (2 of 4 stars). 2 submissions from 2 submitters: Uncertain significance (2). Last evaluated 2024-10-09.

Conditions:
Inborn genetic diseases. Identifiers: MedGen C0950123, MeSH D030342.

Allele frequency attached by ClinVar (database versions not stated): ExAC 0.00001; gnomAD 0.00002; TOPMed 0.00002; ESP Exome Variant Server 0.00008.

Submissions (2):

Ambry Genetics
Classification: Uncertain significance for Inborn genetic diseases. Last evaluated: 2024-10-09. Review status: criteria provided, single submitter. Criteria: Ambry Variant Classification Scheme 2023. Collection method: clinical testing. Allele origin: germline.

Labcorp Genetics (formerly Invitae), Labcorp
Classification: Uncertain significance. Last evaluated: 2022-02-23. Review status: criteria provided, single submitter. Criteria: Invitae Variant Classification Sherloc (09022015). Collection method: clinical testing. Allele origin: germline.
Comment: This sequence change replaces arginine, which is basic and polar, with glutamine, which is neutral and polar, at codon 389 of the MCM3AP protein (p.Arg389Gln). This variant is present in population databases (rs373161185, gnomAD 0.003%). This variant has not been reported in the literature in individuals affected with MCM3AP-related conditions. Algorithms developed to predict the effect of missense changes on protein structure and function (SIFT, PolyPhen-2, Align-GVGD) all suggest that this variant is likely to be tolerated. Algorithms developed to predict the effect of sequence changes on RNA splicing suggest that this variant may create or strengthen a splice site. In summary, the available evidence is currently insufficient to determine the role of this variant in disease. Therefore, it has been classified as a Variant of Uncertain Significance.